The following is an entry in ClinVar:

ClinVar aggregate classification (germline): Uncertain significance (1 of 4 stars; one submission).

Submission:

GeneDx
Classification: Uncertain significance. Last evaluated: 2024-11-18. Review status: criteria provided, single submitter. Criteria: GeneDx Variant Classification Process June 2021. Collection method: clinical testing. Allele origin: germline. Affected: yes.
Comment: Not observed at significant frequency in large population cohorts (gnomAD); In silico analysis supports that this missense variant has a deleterious effect on protein structure/function; Has not been previously published as pathogenic or benign to our knowledge

NM_139058.3(ARX):c.1274C>A (p.Ala425Glu)

Gene: ARX (aristaless related homeobox; minus strand). Cytogenetic location: Xp21.3.
Variant type: single nucleotide variant.
Coding change: c.1274C>A on transcript NM_139058.3 (MANE Select); coding-DNA position 1274, C replaced by A.
Protein change: p.Ala425Glu; replaces alanine 425 with glutamic acid.
Molecular consequence: missense variant.
Genome position (GRCh38, 1-based): chrX:25,007,285, G>T on the plus strand (C>A on the coding strand, the complement: ARX is on the minus strand). VCF-style: chrX-25007285-G-T. GRCh37 (hg19) VCF-style: chrX-25025402-G-T.
Other names: short protein forms A425E.
Identifiers: ClinVar variation 3899820 (VCV003899820.1).
Genomic context (GRCh38, chrX:25,007,285, plus strand): 5'-GGTAGGCTCGGGAAGGCGGCGGCGGCGGCGGCGGCAGCGGCAGTCCAAGCGGAGTCGAGC[G>T]CCGGGTGGTGCGGAGGGAAGGGGCTGGCGTCCAGGTAGGGGCTGAGCGGGTGGGTGGCGG-3'
Protein context (NP_620689.1, residues 415-435): DASPFPPHHP[Ala425Glu]LDSAWTAAAA